The following is an entry in ClinVar:

ClinVar aggregate classification (germline): Uncertain significance (1 of 4 stars; one submission).

Submission:

Women's Health and Genetics/Laboratory Corporation of America, LabCorp
Classification: Uncertain significance. Last evaluated: 2024-04-01. Review status: criteria provided, single submitter. Criteria: LabCorp Variant Classification Summary - May 2015. Collection method: clinical testing. Allele origin: germline.
Comment: Variant summary: TYR c.613C>T (p.Pro205Ser) results in a non-conservative amino acid change in the encoded protein sequence. Four of five in-silico tools predict a damaging effect of the variant on protein function. The variant was absent in 251406 control chromosomes. The available data on variant occurrences in the general population are insufficient to allow any conclusion about variant significance. To our knowledge, no occurrence of c.613C>T in individuals affected with Oculocutaneous Albinism and no experimental evidence demonstrating its impact on protein function have been reported. No submitters have cited clinical-significance assessments for this variant to ClinVar. Based on the evidence outlined above, the variant was classified as uncertain significance.

NM_000372.5(TYR):c.613C>T (p.Pro205Ser)

Gene: TYR (tyrosinase; plus strand). Cytogenetic location: 11q14.3.
Variant type: single nucleotide variant.
Coding change: c.613C>T on transcript NM_000372.5 (MANE Select); coding-DNA position 613, C replaced by T.
Protein change: p.Pro205Ser; replaces proline 205 with serine.
Molecular consequence: missense variant.
Genome position (GRCh38, 1-based): chr11:89,178,566, C>T. VCF-style: chr11-89178566-C-T. GRCh37 (hg19) VCF-style: chr11-88911734-C-T.
Other names: short protein forms P205S.
Identifiers: ClinVar variation 3251628 (VCV003251628.1), dbSNP rs61754362.
Genomic context (GRCh38, chr11:89,178,566, plus strand): 5'-ATGGATGCACTGCTTGGGGGATCTGAAATCTGGAGAGACATTGATTTTGCCCATGAAGCA[C>T]CAGCTTTTCTGCCTTGGCATAGACTCTTCTTGTTGCGGTGGGAACAAGAAATCCAGAAGC-3'
Protein context (NP_000363.1, residues 195-215): WRDIDFAHEA[Pro205Ser]AFLPWHRLFL